The following is an entry in ClinVar:

NM_001291415.2(KDM6A):c.1097A>G (p.Asn366Ser)

Gene: KDM6A (lysine demethylase 6A; plus strand). Cytogenetic location: Xp11.3.
Variant type: single nucleotide variant.
Coding change: c.1097A>G on transcript NM_001291415.2 (MANE Select); coding-DNA position 1097, A replaced by G.
Protein change: p.Asn366Ser; replaces asparagine 366 with serine.
Molecular consequence: missense variant. On other transcripts: non-coding transcript variant (1).
Genome position (GRCh38, 1-based): chrX:45,059,369, A>G. VCF-style: chrX-45059369-A-G. GRCh37 (hg19) VCF-style: chrX-44918614-A-G.
Other names: c.1097A>G, p.Asn366Ser (NM_001291416.2, NM_001291417.2, NM_001291418.2 and 2 more transcripts); c.344A>G, p.Asn115Ser (NM_001291421.2); short protein forms N115S, N366S.
Identifiers: ClinVar variation 2428298 (VCV002428298.6), dbSNP rs1335235998, ClinGen allele CA412782614.

ClinVar aggregate classification (germline): Uncertain significance (1 of 4 stars; one submission).

Conditions:
Kabuki syndrome 2 (KABUK2). Also called: KDM6A-Related Kabuki Syndrome. Identifiers: Orphanet 2322, MedGen C3275495, MONDO:0010465, OMIM 300867.

Allele frequency attached by ClinVar (database versions not stated): gnomAD exomes below 0.00001; gnomAD 0.00003; TOPMed 0.00003.
gnomAD v4.1: 9 of 1,208,766 alleles (0.00074%); highest among the groups gnomAD compares: South Asian, 0.0018%; no homozygotes.

Submission:

Labcorp Genetics (formerly Invitae), Labcorp
Classification: Uncertain significance for Kabuki syndrome 2. Last evaluated: 2024-10-22. Review status: criteria provided, single submitter. Criteria: Invitae Variant Classification Sherloc (09022015). Collection method: clinical testing. Allele origin: germline.
Comment: This sequence change replaces asparagine, which is neutral and polar, with serine, which is neutral and polar, at codon 366 of the KDM6A protein (p.Asn366Ser). The frequency data for this variant in the population databases is considered unreliable, as metrics indicate poor data quality at this position in the gnomAD database. This variant has not been reported in the literature in individuals affected with KDM6A-related conditions. ClinVar contains an entry for this variant (Variation ID: 2428298). Invitae Evidence Modeling of protein sequence and biophysical properties (such as structural, functional, and spatial information, amino acid conservation, physicochemical variation, residue mobility, and thermodynamic stability) has been performed for this missense variant. However, the output from this modeling did not meet the statistical confidence thresholds required to predict the impact of this variant on KDM6A protein function. In summary, the available evidence is currently insufficient to determine the role of this variant in disease. Therefore, it has been classified as a Variant of Uncertain Significance.